The following is an entry in ClinVar:

ClinVar aggregate classification (germline): Likely benign (0 of 4 stars; one submission).

Conditions:
JAG2-related disorder. Also called: JAG2-related condition.

Allele frequency attached by ClinVar (database versions not stated): TOPMed 0.00012; gnomAD 0.00014; 1000 Genomes Project 30x 0.00016; 1000 Genomes Project 0.00020; ESP Exome Variant Server 0.00023; ExAC 0.00032.
gnomAD v4.1: 99 of 1,583,598 alleles (0.0063%); highest among the groups gnomAD compares: African/African-American, 0.063%; no homozygotes.

Submission:

PreventionGenetics, part of Exact Sciences
Classification: Likely benign for JAG2-related condition. Last evaluated: 2020-05-19. Review status: no assertion criteria provided. Collection method: clinical testing. Allele origin: germline.
Comment: This variant is classified as likely benign based on ACMG/AMP sequence variant interpretation guidelines (Richards et al. 2015 PMID: 25741868, with internal and published modifications).

NM_002226.5(JAG2):c.1429-7C>T

Genes: JAG2 (jagged canonical Notch ligand 2; minus strand), MIR6765 (microRNA 6765; minus strand). Cytogenetic location: 14q32.33.
Variant type: single nucleotide variant.
Coding change: c.1429-7C>T on transcript NM_002226.5 (MANE Select); 7 bases into the intron before coding-DNA position 1429, C replaced by T.
Molecular consequence: intron variant. On other transcripts: non-coding transcript variant (1).
Genome position (GRCh38, 1-based): chr14:105,150,784, G>A on the plus strand (C>T on the coding strand, the complement: JAG2 is on the minus strand). VCF-style: chr14-105150784-G-A. GRCh37 (hg19) VCF-style: chr14-105617121-G-A.
Other names: c.1315-7C>T (NM_145159.3).
Identifiers: ClinVar variation 3047208 (VCV003047208.2), dbSNP rs374092502, ClinGen allele CA7386004.